The following is an entry in ClinVar:

ClinVar aggregate classification (germline): Conflicting classifications of pathogenicity. Review status: criteria provided, conflicting classifications (1 of 4 stars). 5 submissions from 4 submitters: Uncertain significance (1); Benign (1); Likely benign (1). 2 of the submissions do not count toward it. Last evaluated 2025-07-14.

Conditions:
Charcot-Marie-Tooth disease, type I (CMT1). Also called: Charcot-Marie-Tooth, Type 1; Charcot-Marie-Tooth disease type 1. Identifiers: Orphanet 65753, MedGen C0751036, MONDO:0019011.
Charcot-Marie-Tooth disease. Also called: Charcot-Marie-Tooth Neuropathy; Charcot-Marie-Tooth Hereditary Neuropathy. Identifiers: Orphanet 166, MedGen C0007959, MONDO:0015626.
Amyotrophic neuralgia (HNA). Also called: AMYOTROPHY, HEREDITARY NEURALGIC, WITH PREDILECTION FOR BRACHIAL PLEXUS; AMYOTROPHY, HEREDITARY NEURALGIC; Hereditary Brachial Plexus Neuropathy; Neuritis with Brachial Predilection. Identifiers: Orphanet 2901, MedGen C1834304, MONDO:0008076, OMIM 162100.
Inborn genetic diseases. Identifiers: MedGen C0950123, MeSH D030342.

Allele frequency attached by ClinVar (database versions not stated): TOPMed 0.00003; ExAC 0.00006; gnomAD exomes 0.00006 and 0.00008; ESP Exome Variant Server 0.00008; gnomAD 0.00010 and 0.00011.
gnomAD v4.1: 137 of 1,604,148 alleles (0.0085%); highest among the groups gnomAD compares: South Asian, 0.039%; 1 homozygote.

Submissions (5):

Labcorp Genetics (formerly Invitae), Labcorp
Classification: Uncertain significance. Last evaluated: 2025-07-14. Review status: criteria provided, single submitter. Criteria: Invitae Variant Classification Sherloc (09022015). Collection method: clinical testing. Allele origin: germline.
Comment: This sequence change replaces alanine, which is neutral and non-polar, with threonine, which is neutral and polar, at codon 162 of the SEPT9 protein (p.Ala162Thr). This variant is present in population databases (rs199861986, gnomAD 0.02%). This variant has not been reported in the literature in individuals affected with SEPT9-related conditions. ClinVar contains an entry for this variant (Variation ID: 325546). Invitae Evidence Modeling of protein sequence and biophysical properties (such as structural, functional, and spatial information, amino acid conservation, physicochemical variation, residue mobility, and thermodynamic stability) indicates that this missense variant is not expected to disrupt SEPT9 protein function with a negative predictive value of 80%. In summary, the available evidence is currently insufficient to determine the role of this variant in disease. Therefore, it has been classified as a Variant of Uncertain Significance.

Ambry Genetics
Classification: Likely benign for Inborn genetic diseases. Last evaluated: 2025-04-18. Review status: criteria provided, single submitter. Criteria: Ambry Variant Classification Scheme 2023. Collection method: clinical testing. Allele origin: germline.

Illumina Laboratory Services, Illumina
Classification: Benign for Amyotrophy, hereditary neuralgic. Last evaluated: 2018-01-13. Review status: criteria provided, single submitter. Criteria: ICSL Variant Classification Criteria 13 December 2019. Collection method: clinical testing. Allele origin: germline.
Comment: This variant was observed in the ICSL laboratory as part of a predisposition screen in an ostensibly healthy population. It had not been previously curated by ICSL or reported in the Human Gene Mutation Database (HGMD: prior to June 1st, 2018), and was therefore a candidate for classification through an automated scoring system. Utilizing variant allele frequency, disease prevalence and penetrance estimates, and inheritance mode, an automated score was calculated to assess if this variant is too frequent to cause the disease. Based on the score and internal cut-off values, a variant classified as benign is not then subjected to further curation. The score for this variant resulted in a classification of benign for this disease.

Genesis Genome Database
Classification: Uncertain significance for Charcot-Marie-Tooth disease. Last evaluated: 2019-08-14. Review status: no assertion criteria provided. Collection method: research. Allele origin: germline. Affected: yes. Not counted in ClinVar's aggregate classification.

Genesis Genome Database
Classification: Uncertain significance for Charcot-Marie-Tooth disease, type I. Last evaluated: 2019-08-14. Review status: no assertion criteria provided. Collection method: research. Allele origin: germline. Affected: yes. Not counted in ClinVar's aggregate classification.

NM_001113491.2(SEPTIN9):c.538G>A (p.Ala180Thr)

Gene: SEPTIN9 (septin 9; plus strand). Cytogenetic location: 17q25.3.
Variant type: single nucleotide variant.
Coding change: c.538G>A on transcript NM_001113491.2 (MANE Select); coding-DNA position 538, G replaced by A.
Protein change: p.Ala180Thr; replaces alanine 180 with threonine.
Molecular consequence: missense variant.
Genome position (GRCh38, 1-based): chr17:77,402,520, G>A. VCF-style: chr17-77402520-G-A. GRCh37 (hg19) VCF-style: chr17-75398602-G-A.
Other names: c.46G>A, p.Ala16Thr (NM_001113492.2, NM_001113494.1); c.517G>A, p.Ala173Thr (NM_001113493.2); c.481G>A, p.Ala161Thr (NM_001293695.2); c.484G>A, p.Ala162Thr (NM_006640.5); short protein forms A162T, A161T, A180T, A16T, A173T.
Identifiers: ClinVar variation 325546 (VCV000325546.11), dbSNP rs199861986, ClinGen allele CA8793236.
Genomic context (GRCh38, chr17:77,402,520, plus strand): 5'-TCAGCCCACCGGAGGATGGAGCCCCCTGCCTCCAAGGTCCCCGAGGTGCCCACTGCCCCT[G>A]CCACCGACGCAGCCCCCAAGAGGGTGGAGATCCAGATGCCCAAGCCTGCTGAGGCGCCCA-3'
Protein context (NP_001106963.1, residues 170-190): SKVPEVPTAP[Ala180Thr]TDAAPKRVEI